The following is an entry in ClinVar:

NM_152443.3(RDH12):c.809T>C (p.Leu270Pro)

Genes: GPHN (gephyrin; plus strand), RDH12 (retinol dehydrogenase 12; plus strand), ZFYVE26 (zinc finger FYVE-type containing 26; minus strand). Cytogenetic location: 14q24.1.
Variant type: single nucleotide variant.
Coding change: c.809T>C on transcript NM_152443.3 (MANE Select); coding-DNA position 809, T replaced by C.
Protein change: p.Leu270Pro; replaces leucine 270 with proline.
Molecular consequence: missense variant.
Genome position (GRCh38, 1-based): chr14:67,729,341, T>C. VCF-style: chr14-67729341-T-C. GRCh37 (hg19) VCF-style: chr14-68196058-T-C.
Other names: short protein forms L270P.
Identifiers: ClinVar variation 4882941 (VCV004882941.2).

ClinVar aggregate classification (germline): Uncertain significance (1 of 4 stars; one submission).

gnomAD v4.1: 1 of 1,598,288 alleles (0.000063%); highest among the groups gnomAD compares: South Asian, 0.0011%; no homozygotes.

Submission:

Dasa
Classification: Uncertain significance. Last evaluated: 2024-08-13. Review status: criteria provided, single submitter. Criteria: DASA Assertion Criteria. Collection method: clinical testing. Allele origin: germline.
Comment: NM_152443.3(RDH12):c.809T>C (p.Leu270Pro) is a missense variant that results in the substitution of leucine with proline. This variant is rare in population databases. The currently available literature and clinical evidence are not sufficient to establish a definitive association between this variant and the reported condition. Therefore, this variant is classified as a variant of uncertain significance.